The following is an entry in ClinVar:

NM_001393797.1(ABCC12):c.442del (p.Ile148fs)

Gene: ABCC12 (ATP binding cassette subfamily C member 12; minus strand). Cytogenetic location: 16q12.1.
Variant type: Deletion.
Coding change: c.442del on transcript NM_001393797.1 (MANE Select); coding-DNA position 442, one base deleted (A; older notation c.442delA).
Protein change: p.Ile148fs; shifts the reading frame from isoleucine 148.
Molecular consequence: frameshift variant. On other transcripts: non-coding transcript variant (6).
Genome position (GRCh38, 1-based): chr16:48,140,902, T deleted on the plus strand (A on the coding strand, the reverse complement: ABCC12 is on the minus strand); the first of 3 consecutive T bases (chr16:48,140,902-48,140,904); deleting any one gives the same sequence. VCF-style (leftmost placement, unchanged base first): chr16-48140901-AT-A. GRCh37 (hg19) VCF-style: chr16-48174812-AT-A.
Other names: c.442del, p.Ile148fs (NM_001392028.1, NM_033226.3); short protein forms I148fs.
Identifiers: ClinVar variation 4981050 (VCV004981050.1).

ClinVar aggregate classification (germline): Uncertain significance (1 of 4 stars; one submission).

Conditions:
ABCC12-related condition.

Submission:

PreventionGenetics, part of Exact Sciences
Classification: Uncertain significance for ABCC12-related condition. Last evaluated: 2026-01-02. Review status: criteria provided, single submitter. Criteria: ACMG Guidelines, 2015. Collection method: clinical testing. Allele origin: germline.
Comment: The ABCC12 c.442delA variant is predicted to result in a frameshift and premature protein termination (p.Ile148Serfs*20). To our knowledge, this variant has not been reported in the literature. This variant is reported in 0.10% of alleles in individuals of African descent in gnomAD. At this time, the clinical significance of this variant is uncertain due to the absence of conclusive functional and genetic evidence.